The following is an entry in ClinVar:

NM_201384.3(PLEC):c.10605_10606delinsAT (p.Thr3536Ser)

Gene: PLEC (plectin; minus strand). Cytogenetic location: 8q24.3.
Variant type: Indel.
Coding change: c.10605_10606delinsAT on transcript NM_201384.3 (MANE Select); coding-DNA positions 10605 to 10606, GA replaced by AT.
Protein change: p.Thr3536Ser; replaces threonine 3536 with serine.
Molecular consequence: missense variant.
Genome position (GRCh38, 1-based): chr8:143,919,215-143,919,216, TC replaced by AT on the plus strand (GA replaced by AT on the coding strand, the reverse complement: PLEC is on the minus strand). VCF-style: chr8-143919215-TC-AT. GRCh37 (hg19) VCF-style: chr8-144993383-TC-AT.
Other names: c.10686_10687delinsAT, p.Thr3563Ser (NM_000445.5); c.10563_10564delinsAT, p.Thr3522Ser (NM_201378.4); c.10539_10540delinsAT, p.Thr3514Ser (NM_201379.3); c.11016_11017delinsAT, p.Thr3673Ser (NM_201380.4); c.10509_10510delinsAT, p.Thr3504Ser (NM_201381.3); c.10605_10606delinsAT, p.Thr3536Ser (NM_201382.4); c.10617_10618delinsAT, p.Thr3540Ser (NM_201383.3); short protein forms T3504S, T3514S, T3522S, T3536S, T3540S, T3563S, T3673S.
Identifiers: ClinVar variation 1052933 (VCV001052933.7), dbSNP rs2130974011, ClinGen allele CA2499219148.

ClinVar aggregate classification (germline): Uncertain significance (1 of 4 stars; one submission).

Conditions:
Epidermolysis bullosa simplex 5B, with muscular dystrophy (EBS5B). Also called: Epidermolysis bullosa simplex with muscular dystrophy; EPIDERMOLYSIS BULLOSA SIMPLEX AND LIMB-GIRDLE MUSCULAR DYSTROPHY. Identifiers: Orphanet 257, MedGen C2931072, MONDO:0009181, OMIM 226670.
Epidermolysis bullosa simplex 5C, with pyloric atresia (EBS5C). Also called: Epidermolysis bullosa simplex with pyloric atresia; PLEC-Related Epidermolysis Bullosa with Pyloric Atresia; PLEC1-Related Epidermolysis Bullosa with Pyloric Atresia. Identifiers: Orphanet 158684, MedGen C2677349, MONDO:0012807, OMIM 612138.
Epidermolysis bullosa simplex, Ogna type (EBS5A). Also called: Pidermolysis bullosa simplex 5A, Ogna type; EPIDERMOLYSIS BULLOSA SIMPLEX 5A, OGNA TYPE. Identifiers: Orphanet 79401, MedGen C0432317, MONDO:0007555, OMIM 131950.
Autosomal recessive limb-girdle muscular dystrophy type 2Q (LGMDR17). Also called: MUSCULAR DYSTROPHY, LIMB-GIRDLE, AUTOSOMAL RECESSIVE 17. Identifiers: Orphanet 254361, MedGen C3150989, MONDO:0013390, OMIM 613723.
Epidermolysis bullosa simplex with nail dystrophy (EBS5D). Identifiers: MedGen C4225309, MONDO:0014661, OMIM 616487.

Submission:

Labcorp Genetics (formerly Invitae), Labcorp
Classification: Uncertain significance for Autosomal recessive limb-girdle muscular dystrophy type 2Q; Epidermolysis bullosa simplex, Ogna type; Epidermolysis bullosa simplex with nail dystrophy; Epidermolysis bullosa simplex 5C, with pyloric atresia; Epidermolysis bullosa simplex 5B, with muscular dystrophy. Last evaluated: 2025-11-27. Review status: criteria provided, single submitter. Criteria: Invitae Variant Classification Sherloc (09022015). Collection method: clinical testing. Allele origin: germline.
Comment: This sequence change replaces threonine, which is neutral and polar, with serine, which is neutral and polar, at codon 3563 of the PLEC protein (p.Thr3563Ser). Information on the frequency of this variant in the gnomAD database is not available, as this variant may be reported differently in the database. This variant has not been reported in the literature in individuals affected with PLEC-related conditions. ClinVar contains an entry for this variant (Variation ID: 1052933). Experimental studies and prediction algorithms are not available or were not evaluated, and the functional significance of this variant is currently unknown. In summary, the available evidence is currently insufficient to determine the role of this variant in disease. Therefore, it has been classified as a Variant of Uncertain Significance.